The following is an entry in ClinVar:

NM_000089.4(COL1A2):c.4082G>T (p.Gly1361Val)

Gene: COL1A2 (collagen type I alpha 2 chain; plus strand). Cytogenetic location: 7q21.3.
Variant type: single nucleotide variant.
Coding change: c.4082G>T on transcript NM_000089.4 (MANE Select); coding-DNA position 4082, G replaced by T.
Protein change: p.Gly1361Val; replaces glycine 1361 with valine.
Molecular consequence: missense variant.
Genome position (GRCh38, 1-based): chr7:94,430,374, G>T. VCF-style: chr7-94430374-G-T. GRCh37 (hg19) VCF-style: chr7-94059686-G-T.
Other names: short protein forms G1361V.
Identifiers: ClinVar variation 4783666 (VCV004783666.2).

ClinVar aggregate classification (germline): Likely pathogenic. Review status: criteria provided, multiple submitters, no conflicts (2 of 4 stars). 2 submissions from 2 submitters: Likely pathogenic (2). Last evaluated 2025-06-03.

Conditions:
Osteogenesis imperfecta type I (OI1). Also called: OI, TYPE I; OSTEOGENESIS IMPERFECTA TARDA; OSTEOGENESIS IMPERFECTA WITH BLUE SCLERAE; Osteogenesis imperfecta type 1; Lobstein's Disease; Lobstein disease. Identifiers: Orphanet 216796, Orphanet 666, MedGen C0023931, MONDO:0008146, OMIM 166200. Disease mechanism: loss of function.
Ehlers-Danlos syndrome, classic type, 1 (EDSCL1). Also called: EHLERS-DANLOS SYNDROME, GRAVIS TYPE; EHLERS-DANLOS SYNDROME, SEVERE CLASSIC TYPE; Ehlers-Danlos syndrome, type 1; EDS I; Ehlers-Danlos Syndrome, Classic Type, COL5A1-Related. Identifiers: MedGen C0268335, MONDO:0019567, OMIM 130000.
COL1A2-related disorder. Also called: COL1A2-related condition; COL1A2-Related Disorders.

Submissions (2):

Labcorp Genetics (formerly Invitae), Labcorp
Classification: Likely pathogenic for Osteogenesis imperfecta type I; Ehlers-Danlos syndrome, classic type, 1. Last evaluated: 2025-06-03. Review status: criteria provided, single submitter. Criteria: Invitae Variant Classification Sherloc (09022015). Collection method: clinical testing. Allele origin: germline.
Comment: This sequence change replaces glycine, which is neutral and non-polar, with valine, which is neutral and non-polar, at codon 1361 of the COL1A2 protein (p.Gly1361Val). This variant is not present in population databases (gnomAD no frequency). This missense change has been observed in individuals with autosomal dominant osteogenesis imperfecta (PMID: 25146735, 27282461). Invitae Evidence Modeling of protein sequence and biophysical properties (such as structural, functional, and spatial information, amino acid conservation, physicochemical variation, residue mobility, and thermodynamic stability) indicates that this missense variant is expected to disrupt COL1A2 protein function with a positive predictive value of 95%. In summary, the currently available evidence indicates that the variant is pathogenic, but additional data are needed to prove that conclusively. Therefore, this variant has been classified as Likely Pathogenic.

Blueprint Genetics
Classification: Likely pathogenic for COL1A2-related disorders. Last evaluated: 2023-09-27. Review status: criteria provided, single submitter. Criteria: ACMG Guidelines, 2015. Collection method: clinical testing. Allele origin: germline. Affected: yes. Observed: 3 variant alleles.

Literature cited by the submitters: PubMed 25146735 (cited by Labcorp Genetics (formerly Invitae), Labcorp); PubMed 27282461 (cited by Labcorp Genetics (formerly Invitae), Labcorp).